The following is an entry in ClinVar:

NM_033087.4(ALG2):c.296T>C (p.Leu99Pro)

Gene: ALG2 (ALG2 alpha-1,3/1,6-mannosyltransferase; minus strand). Cytogenetic location: 9q22.33.
Variant type: single nucleotide variant.
Coding change: c.296T>C on transcript NM_033087.4 (MANE Select); coding-DNA position 296, T replaced by C.
Protein change: p.Leu99Pro; replaces leucine 99 with proline.
Molecular consequence: missense variant. On other transcripts: non-coding transcript variant (1).
Genome position (GRCh38, 1-based): chr9:99,221,599, A>G on the plus strand (T>C on the coding strand, the complement: ALG2 is on the minus strand). VCF-style: chr9-99221599-A-G. GRCh37 (hg19) VCF-style: chr9-101983881-A-G.
Other names: short protein forms L99P.
Identifiers: ClinVar variation 954177 (VCV000954177.9), dbSNP rs770722154, ClinGen allele CA5156424.

ClinVar aggregate classification (germline): Uncertain significance (1 of 4 stars; one submission).

Conditions:
Congenital myasthenic syndrome 14. Also called: Myasthenic syndrome, congenital, 14, with tubular aggregates. Identifiers: Orphanet 353327, Orphanet 590, MedGen C4015597, MONDO:0014543, OMIM 616228.
Congenital disorder of glycosylation, type Ii. Also called: CDG Ii; ALG2-congenital disorder of glycosylation; ALG2-CDG. Identifiers: Orphanet 79326, MedGen C1842836, MONDO:0011933, OMIM 607906.

Allele frequency attached by ClinVar (database versions not stated): gnomAD 0.00001; TOPMed 0.00001; ExAC below 0.00001; gnomAD exomes 0.00004 and 0.00001.
gnomAD v4.1: 5 of 1,543,630 alleles (0.00032%); highest among the groups gnomAD compares: Admixed American, 0.0059%; no homozygotes.

Submission:

Labcorp Genetics (formerly Invitae), Labcorp
Classification: Uncertain significance for Congenital disorder of glycosylation, type Ii; Congenital myasthenic syndrome 14. Last evaluated: 2021-07-16. Review status: criteria provided, single submitter. Criteria: Invitae Variant Classification Sherloc (09022015). Collection method: clinical testing. Allele origin: germline.
Comment: Algorithms developed to predict the effect of missense changes on protein structure and function (SIFT, PolyPhen-2, Align-GVGD) all suggest that this variant is likely to be disruptive, but these predictions have not been confirmed by published functional studies and their clinical significance is uncertain. In summary, the available evidence is currently insufficient to determine the role of this variant in disease. Therefore, it has been classified as a Variant of Uncertain Significance. This variant has not been reported in the literature in individuals with ALG2-related conditions. The frequency data for this variant in the population databases is considered unreliable, as metrics indicate poor data quality at this position in the ExAC database. This sequence change replaces leucine with proline at codon 99 of the ALG2 protein (p.Leu99Pro). The leucine residue is highly conserved and there is a moderate physicochemical difference between leucine and proline.